The following is an entry in ClinVar:

ClinVar aggregate classification (germline): Conflicting classifications of pathogenicity. Review status: criteria provided, conflicting classifications (1 of 4 stars). 4 submissions from 4 submitters: Uncertain significance (1); Likely benign (3). Last evaluated 2026-07-01.

Conditions:
Netherton syndrome (NETH). Also called: NETHERTON DISEASE; ERYTHRODERMA, ICHTHYOSIFORM, WITH HYPOTRICHOSIS AND HYPER-IgE; COMEL-NETHERTON SYNDROME. Identifiers: Orphanet 634, MedGen C5574950, MONDO:0009735, OMIM 256500.
Ichthyosis linearis circumflexa. Identifiers: MedGen C0265962, MONDO:0043106, HP:0025810.

Allele frequency attached by ClinVar (database versions not stated): gnomAD 0.00021; gnomAD exomes 0.00023 and 0.00057; 1000 Genomes Project 30x 0.00031; TOPMed 0.00032; ESP Exome Variant Server 0.00033; 1000 Genomes Project 0.00040; ExAC 0.00052.
gnomAD v4.1: 382 of 1,612,748 alleles (0.024%); highest among the groups gnomAD compares: East Asian, 0.32%; 1 homozygote.

Submissions (4):

CeGaT Center for Human Genetics Tuebingen
Classification: Likely benign. Last evaluated: 2026-07-01. Review status: criteria provided, single submitter. Criteria: CeGaT Center For Human Genetics Tuebingen Variant Classification Criteria Version 2. Collection method: clinical testing. Allele origin: germline. Affected: yes. Observed: 1 variant allele.
Comment: SPINK5: BP4, BP7

Labcorp Genetics (formerly Invitae), Labcorp
Classification: Likely benign for Ichthyosis linearis circumflexa. Last evaluated: 2026-01-11. Review status: criteria provided, single submitter. Criteria: Invitae Variant Classification Sherloc (09022015). Collection method: clinical testing. Allele origin: germline.

Blueprint Genetics
Classification: Likely benign. Last evaluated: 2021-10-24. Review status: criteria provided, single submitter. Criteria: ACMG Guidelines, 2015. Collection method: clinical testing. Allele origin: germline.

Illumina Laboratory Services, Illumina
Classification: Uncertain significance for Netherton syndrome. Last evaluated: 2018-01-13. Review status: criteria provided, single submitter. Criteria: ICSL Variant Classification Criteria 13 December 2019. Collection method: clinical testing. Allele origin: germline.

NM_006846.4(SPINK5):c.750C>T (p.Asp250=)

Gene: SPINK5 (serine peptidase inhibitor Kazal type 5; plus strand). Cytogenetic location: 5q32.
Variant type: single nucleotide variant.
Coding change: c.750C>T on transcript NM_006846.4 (MANE Select); coding-DNA position 750, C replaced by T.
Protein change: p.Asp250=; no amino-acid change (aspartic acid 250 retained).
Molecular consequence: synonymous variant.
Genome position (GRCh38, 1-based): chr5:148,094,437, C>T. VCF-style: chr5-148094437-C-T. GRCh37 (hg19) VCF-style: chr5-147474000-C-T.
Other names: c.750C>T, p.Asp250= (NM_001127698.2, NM_001127699.2).
Identifiers: ClinVar variation 529170 (VCV000529170.18), dbSNP rs199793551, ClinGen allele CA3495334.